The following is an entry in ClinVar:

ClinVar aggregate classification (germline): Uncertain significance. Review status: criteria provided, multiple submitters, no conflicts (2 of 4 stars). 2 submissions from 2 submitters: Uncertain significance (2). Last evaluated 2022-08-22.

Conditions:
Inborn genetic diseases. Identifiers: MedGen C0950123, MeSH D030342.

Allele frequency attached by ClinVar (database versions not stated): gnomAD 0.00001 and 0.00002; gnomAD exomes 0.00001; TOPMed 0.00002; 1000 Genomes Project 30x 0.00016; 1000 Genomes Project 0.00020.
gnomAD v4.1: 21 of 1,614,056 alleles (0.0013%); highest among the groups gnomAD compares: East Asian, 0.031%; no homozygotes.

Submissions (2):

Labcorp Genetics (formerly Invitae), Labcorp
Classification: Uncertain significance. Last evaluated: 2022-08-22. Review status: criteria provided, single submitter. Criteria: Invitae Variant Classification Sherloc (09022015). Collection method: clinical testing. Allele origin: germline.
Comment: ClinVar contains an entry for this variant (Variation ID: 1471099). This sequence change replaces alanine, which is neutral and non-polar, with valine, which is neutral and non-polar, at codon 322 of the CCBE1 protein (p.Ala322Val). This variant is present in population databases (rs115699870, gnomAD 0.01%). This variant has not been reported in the literature in individuals affected with CCBE1-related conditions. Algorithms developed to predict the effect of missense changes on protein structure and function (SIFT, PolyPhen-2, Align-GVGD) all suggest that this variant is likely to be disruptive. In summary, the available evidence is currently insufficient to determine the role of this variant in disease. Therefore, it has been classified as a Variant of Uncertain Significance.

Ambry Genetics
Classification: Uncertain significance for Inborn genetic diseases. Last evaluated: 2021-01-27. Review status: criteria provided, single submitter. Criteria: Ambry Variant Classification Scheme 2023. Collection method: clinical testing. Allele origin: germline.
Comment: The c.965C>T (p.A322V) alteration is located in exon 10 (coding exon 10) of the CCBE1 gene. This alteration results from a C to T substitution at nucleotide position 965, causing the alanine (A) at amino acid position 322 to be replaced by a valine (V). The p.A322V alteration is predicted to be tolerated by in silico analysis. Based on insufficient or conflicting evidence, the clinical significance of this alteration remains unclear.

NM_133459.4(CCBE1):c.965C>T (p.Ala322Val)

Gene: CCBE1 (collagen and calcium binding EGF domains 1; minus strand). Cytogenetic location: 18q21.32.
Variant type: single nucleotide variant.
Coding change: c.965C>T on transcript NM_133459.4 (MANE Select); coding-DNA position 965, C replaced by T.
Protein change: p.Ala322Val; replaces alanine 322 with valine.
Molecular consequence: missense variant.
Genome position (GRCh38, 1-based): chr18:59,438,133, G>A on the plus strand (C>T on the coding strand, the complement: CCBE1 is on the minus strand). VCF-style: chr18-59438133-G-A. GRCh37 (hg19) VCF-style: chr18-57105365-G-A.
Other names: c.965C>T (NM_133459.3); short protein forms A322V.
Identifiers: ClinVar variation 1471099 (VCV001471099.8), dbSNP rs115699870, ClinGen allele CA8980235.